The following is an entry in ClinVar:

ClinVar aggregate classification (germline): Uncertain significance (1 of 4 stars; one submission).

gnomAD v4.1: 21 of 1,613,838 alleles (0.0013%); highest among the groups gnomAD compares: African/African-American, 0.0027%; no homozygotes.

Submission:

Labcorp Genetics (formerly Invitae), Labcorp
Classification: Uncertain significance. Last evaluated: 2025-08-13. Review status: criteria provided, single submitter. Criteria: Invitae Variant Classification Sherloc (09022015). Collection method: clinical testing. Allele origin: germline.
Comment: This sequence change replaces arginine, which is basic and polar, with cysteine, which is neutral and slightly polar, at codon 346 of the ANXA11 protein (p.Arg346Cys). This variant is present in population databases (no rsID available, gnomAD 0.006%). This missense change has been observed in individual(s) with familial amyotrophic lateral sclerosis (PMID: 28469040). ClinVar contains an entry for this variant (Variation ID: 2982289). An algorithm developed to predict the effect of missense changes on protein structure and function (PolyPhen-2) suggests that this variant is likely to be disruptive. In summary, the available evidence is currently insufficient to determine the role of this variant in disease. Therefore, it has been classified as a Variant of Uncertain Significance.

Literature cited by the submitters: PubMed 28469040.

NM_145868.2(ANXA11):c.1036C>T (p.Arg346Cys)

Gene: ANXA11 (annexin A11; minus strand). Cytogenetic location: 10q22.3.
Variant type: single nucleotide variant.
Coding change: c.1036C>T on transcript NM_145868.2 (MANE Select); coding-DNA position 1036, C replaced by T.
Protein change: p.Arg346Cys; replaces arginine 346 with cysteine.
Molecular consequence: missense variant.
Genome position (GRCh38, 1-based): chr10:80,163,399, G>A on the plus strand (C>T on the coding strand, the complement: ANXA11 is on the minus strand). VCF-style: chr10-80163399-G-A. GRCh37 (hg19) VCF-style: chr10-81923155-G-A.
Other names: c.1036C>T, p.Arg346Cys (NM_001157.3, NM_001278407.2, NM_001278408.2 and 1 more transcripts); c.937C>T, p.Arg313Cys (NM_001278409.2); short protein forms R346C, R313C.
Identifiers: ClinVar variation 2982289 (VCV002982289.3), dbSNP rs770574196, ClinGen allele CA377365585.